The following is an entry in ClinVar:

ClinVar aggregate classification (germline): Likely benign (0 of 4 stars; one submission).

Conditions:
SDCCAG8-related disorder. Also called: SDCCAG8-Related Disorders; SDCCAG8-related condition.

Allele frequency attached by ClinVar (database versions not stated): gnomAD exomes below 0.00001; TOPMed 0.00002.
gnomAD v4.1: 3 of 1,613,826 alleles (0.00019%); highest among the groups gnomAD compares: African/African-American, 0.0027%; no homozygotes.

Submission:

PreventionGenetics, part of Exact Sciences
Classification: Likely benign for SDCCAG8-related condition. Last evaluated: 2022-02-19. Review status: no assertion criteria provided. Collection method: clinical testing. Allele origin: germline.
Comment: This variant is classified as likely benign based on ACMG/AMP sequence variant interpretation guidelines (Richards et al. 2015 PMID: 25741868, with internal and published modifications).

NM_006642.5(SDCCAG8):c.477G>T (p.Gly159=)

Gene: SDCCAG8 (SHH signaling and ciliogenesis regulator SDCCAG8; plus strand). Cytogenetic location: 1q43.
Variant type: single nucleotide variant.
Coding change: c.477G>T on transcript NM_006642.5 (MANE Select); coding-DNA position 477, G replaced by T.
Protein change: p.Gly159=; no amino-acid change (glycine 159 retained).
Molecular consequence: synonymous variant. On other transcripts: 5 prime UTR variant (3).
Genome position (GRCh38, 1-based): chr1:243,286,328, G>T. VCF-style: chr1-243286328-G-T. GRCh37 (hg19) VCF-style: chr1-243449630-G-T.
Other names: c.-636G>T (NM_001350246.2); c.-524G>T (NM_001350247.2); c.477G>T, p.Gly159= (NM_001350248.2); c.183G>T, p.Gly61= (NM_001350249.2); c.-897G>T (NM_001350251.2).
Identifiers: ClinVar variation 3058176 (VCV003058176.2), dbSNP rs2069611293, ClinGen allele CA424104330.